The following is an entry in ClinVar:

ClinVar aggregate classification (germline): Uncertain significance (1 of 4 stars; one submission).

Conditions:
Progressive encephalopathy with leukodystrophy due to DECR deficiency. Identifiers: Orphanet 431361, MedGen C1857252, MONDO:0014464, OMIM 616034.

Allele frequency attached by ClinVar (database versions not stated): gnomAD exomes below 0.00001; ExAC 0.00001; gnomAD 0.00001; TOPMed 0.00001.
gnomAD v4.1: 9 of 1,612,030 alleles (0.00056%); highest among the groups gnomAD compares: African/African-American, 0.0027%; no homozygotes.

Submission:

Labcorp Genetics (formerly Invitae), Labcorp
Classification: Uncertain significance for Progressive encephalopathy with leukodystrophy due to DECR deficiency. Last evaluated: 2023-06-15. Review status: criteria provided, single submitter. Criteria: Invitae Variant Classification Sherloc (09022015). Collection method: clinical testing. Allele origin: germline.
Comment: In summary, the available evidence is currently insufficient to determine the role of this variant in disease. Therefore, it has been classified as a Variant of Uncertain Significance. Variants that disrupt the consensus splice site are a relatively common cause of aberrant splicing (PMID: 17576681, 9536098). Algorithms developed to predict the effect of sequence changes on RNA splicing suggest that this variant is not likely to affect RNA splicing. This variant has not been reported in the literature in individuals affected with NADK2-related conditions. This variant is present in population databases (rs767877637, gnomAD 0.002%). This sequence change falls in intron 9 of the NADK2 gene. It does not directly change the encoded amino acid sequence of the NADK2 protein. It affects a nucleotide within the consensus splice site.

Literature cited by the submitters: PubMed 17576681; PubMed 9536098.

NM_001085411.3(NADK2):c.1012+3G>A

Gene: NADK2 (NAD kinase 2, mitochondrial; minus strand). Cytogenetic location: 5p13.2.
Variant type: single nucleotide variant.
Coding change: c.1012+3G>A on transcript NM_001085411.3 (MANE Select); 3 bases into the intron after coding-DNA position 1012, G replaced by A.
Molecular consequence: intron variant.
Genome position (GRCh38, 1-based): chr5:36,201,103, C>T on the plus strand (G>A on the coding strand, the complement: NADK2 is on the minus strand). VCF-style: chr5-36201103-C-T. GRCh37 (hg19) VCF-style: chr5-36201205-C-T.
Other names: c.523+3G>A (NM_153013.5, NM_001287340.2); c.589+3G>A (NM_001287341.2).
Identifiers: ClinVar variation 3002508 (VCV003002508.3), dbSNP rs767877637, ClinGen allele CA3234555.